The following is an entry in ClinVar:

ClinVar aggregate classification (germline): Uncertain significance (1 of 4 stars; one submission).

Submission:

CeGaT Center for Human Genetics Tuebingen
Classification: Uncertain significance. Last evaluated: 2026-08-01. Review status: criteria provided, single submitter. Criteria: CeGaT Center For Human Genetics Tuebingen Variant Classification Criteria Version 2. Collection method: clinical testing. Allele origin: germline. Affected: yes. Observed: 1 variant allele.
Comment: TAF4: PM2

NM_003185.4(TAF4):c.1226C>G (p.Thr409Ser)

Gene: TAF4 (TATA-box binding protein associated factor 4; minus strand). Cytogenetic location: 20q13.33.
Variant type: single nucleotide variant.
Coding change: c.1226C>G on transcript NM_003185.4 (MANE Select); coding-DNA position 1226, C replaced by G.
Protein change: p.Thr409Ser; replaces threonine 409 with serine.
Molecular consequence: missense variant.
Genome position (GRCh38, 1-based): chr20:62,064,585, G>C on the plus strand (C>G on the coding strand, the complement: TAF4 is on the minus strand). VCF-style: chr20-62064585-G-C. GRCh37 (hg19) VCF-style: chr20-60639641-G-C.
Other names: short protein forms T409S.
Identifiers: ClinVar variation 5040358 (VCV005040358.1).